The following is an entry in ClinVar:

ClinVar aggregate classification (germline): Uncertain significance (1 of 4 stars; one submission).

Allele frequency attached by ClinVar (database versions not stated): gnomAD 0.00002; TOPMed 0.00002; ExAC 0.00008.
gnomAD v4.1: 3 of 1,548,148 alleles (0.00019%); highest among the groups gnomAD compares: African/African-American, 0.0041%; no homozygotes.

Submission:

Labcorp Genetics (formerly Invitae), Labcorp
Classification: Uncertain significance. Last evaluated: 2022-10-17. Review status: criteria provided, single submitter. Criteria: Invitae Variant Classification Sherloc (09022015). Collection method: clinical testing. Allele origin: germline.
Comment: This sequence change replaces alanine, which is neutral and non-polar, with serine, which is neutral and polar, at codon 117 of the TCIRG1 protein (p.Ala117Ser). The frequency data for this variant in the population databases is considered unreliable, as metrics indicate poor data quality at this position in the gnomAD database. This variant has not been reported in the literature in individuals affected with TCIRG1-related conditions. Advanced modeling of protein sequence and biophysical properties (such as structural, functional, and spatial information, amino acid conservation, physicochemical variation, residue mobility, and thermodynamic stability) performed at Invitae indicates that this missense variant is not expected to disrupt TCIRG1 protein function. In summary, the available evidence is currently insufficient to determine the role of this variant in disease. Therefore, it has been classified as a Variant of Uncertain Significance.

NM_006019.4(TCIRG1):c.349G>T (p.Ala117Ser)

Gene: TCIRG1 (T cell immune regulator 1, ATPase H+ transporting V0 subunit a3; plus strand). Cytogenetic location: 11q13.2.
Variant type: single nucleotide variant.
Coding change: c.349G>T on transcript NM_006019.4 (MANE Select); coding-DNA position 349, G replaced by T.
Protein change: p.Ala117Ser; replaces alanine 117 with serine.
Molecular consequence: missense variant. On other transcripts: 5 prime UTR variant (1).
Genome position (GRCh38, 1-based): chr11:68,042,795, G>T. VCF-style: chr11-68042795-G-T. GRCh37 (hg19) VCF-style: chr11-67810262-G-T.
Other names: c.-901G>T (NM_001351059.2); short protein forms A117S.
Identifiers: ClinVar variation 1937926 (VCV001937926.2), dbSNP rs763664425, ClinGen allele CA6146700.